The following is an entry in ClinVar:

NM_015662.3(IFT172):c.337-4G>A

Gene: IFT172 (intraflagellar transport 172; minus strand). Cytogenetic location: 2p23.3.
Variant type: single nucleotide variant.
Coding change: c.337-4G>A on transcript NM_015662.3 (MANE Select); 4 bases into the intron before coding-DNA position 337, G replaced by A.
Molecular consequence: intron variant.
Genome position (GRCh38, 1-based): chr2:27,483,941, C>T on the plus strand (G>A on the coding strand, the complement: IFT172 is on the minus strand). VCF-style: chr2-27483941-C-T. GRCh37 (hg19) VCF-style: chr2-27706808-C-T.
Other names: c.337-4G>A (NM_015662.2).
Identifiers: ClinVar variation 1144319 (VCV001144319.12), dbSNP rs374002706, ClinGen allele CA1581013.
Genomic context (GRCh38, chr2:27,483,941, plus strand): 5'-AGCCAGTCCAAAGACAATGATGTATTCTGCCGGCCATTGCAGACAAGTGACAGCACTCTG[C>T]GTGGAAGGAAACAATGAAAAGGATAACCCCATCTGTGTGGGCCAGCACTTTTATAACAAC-3'

ClinVar aggregate classification (germline): Likely benign. Review status: criteria provided, multiple submitters, no conflicts (2 of 4 stars). 3 submissions from 3 submitters: Likely benign (2). 1 of the submissions does not count toward it. Last evaluated 2025-04-07.

Conditions:
Retinitis pigmentosa 71 (RP71). Identifiers: Orphanet 791, MedGen C4225342, MONDO:0014618, OMIM 616394.
Short-rib thoracic dysplasia 10 with or without polydactyly (SRTD10). Identifiers: Orphanet 474, MedGen C3810175, MONDO:0014284, OMIM 615630.
IFT172-related disorder. Also called: IFT172-related disorders; IFT172-related condition.

Allele frequency attached by ClinVar (database versions not stated): gnomAD exomes 0.00002; ExAC 0.00003; ESP Exome Variant Server 0.00008; gnomAD 0.00009 and 0.00010; TOPMed 0.00011; 1000 Genomes Project 30x 0.00031; 1000 Genomes Project 0.00040.

Submissions (3):

Labcorp Genetics (formerly Invitae), Labcorp
Classification: Likely benign for Retinitis pigmentosa 71; Short-rib thoracic dysplasia 10 with or without polydactyly. Last evaluated: 2025-04-07. Review status: criteria provided, single submitter. Criteria: Invitae Variant Classification Sherloc (09022015). Collection method: clinical testing. Allele origin: germline.

Blueprint Genetics
Classification: Likely benign. Last evaluated: 2024-07-09. Review status: criteria provided, single submitter. Criteria: ACMG Guidelines, 2015. Collection method: clinical testing. Allele origin: germline.

PreventionGenetics, part of Exact Sciences
Classification: Likely benign for IFT172-related condition. Last evaluated: 2021-12-01. Review status: no assertion criteria provided. Collection method: clinical testing. Allele origin: germline. Not counted in ClinVar's aggregate classification.
Comment: This variant is classified as likely benign based on ACMG/AMP sequence variant interpretation guidelines (Richards et al. 2015 PMID: 25741868, with internal and published modifications).